The following is an entry in ClinVar:

NM_024685.4(BBS10):c.957del (p.Ser320fs)

Gene: BBS10 (Bardet-Biedl syndrome 10; minus strand). Cytogenetic location: 12q21.2.
Variant type: Deletion.
Coding change: c.957del on transcript NM_024685.4 (MANE Select); coding-DNA position 957, one base deleted (T; older notation c.957delT).
Protein change: p.Ser320fs; shifts the reading frame from serine 320.
Molecular consequence: frameshift variant.
Genome position (GRCh38, 1-based): chr12:76,347,028, A deleted on the plus strand (T on the coding strand, the reverse complement: BBS10 is on the minus strand); the first of 2 consecutive A bases (chr12:76,347,028-76,347,029); deleting either gives the same sequence. VCF-style (leftmost placement, unchanged base first): chr12-76347027-TA-T. GRCh37 (hg19) VCF-style: chr12-76740807-TA-T.
Other names: short protein forms S320fs.
Identifiers: ClinVar variation 4816172 (VCV004816172.1).

ClinVar aggregate classification (germline): Likely pathogenic (1 of 4 stars; one submission).

Conditions:
Bardet-Biedl syndrome 10 (BBS10). Identifiers: Orphanet 110, MedGen C1859568, MONDO:0014438, OMIM 615987.

Submission:

Natera, Inc.
Classification: Likely pathogenic for Bardet-Biedl syndrome type 10. Last evaluated: 2024-06-20. Review status: criteria provided, single submitter. Criteria: Natera Variant Classification Schema (03/2026). Collection method: clinical testing. Allele origin: germline.
Comment: The c.957del variant in BBS10 is a frameshift variant predicted to shift the reading frame beginning at codon 320 and leads to a stop codon 6 codons downstream. This variant is expected to result in nonsense mediated decay, truncation, or a dysfunctional protein product. This variant is rare in the general population with a frequency below the threshold expected for the associated phenotype(s). Given the available evidence, this variant is classified as Likely Pathogenic.